The following is an entry in ClinVar:

NM_183065.4(TMEM107):c.*755C>G

Genes: SNORD118 (small nucleolar RNA, C/D box 118; minus strand), TMEM107 (transmembrane protein 107; minus strand). Cytogenetic location: 17p13.1.
Variant type: single nucleotide variant.
Coding change: c.*755C>G on transcript NM_183065.4 (MANE Select); 755 bases downstream of the stop codon, C replaced by G.
Molecular consequence: 3 prime UTR variant. On other transcripts: non-coding transcript variant (1).
Genome position (GRCh38, 1-based): chr17:8,173,448, G>C on the plus strand (C>G on the coding strand, the complement: TMEM107 is on the minus strand). VCF-style: chr17-8173448-G-C. GRCh37 (hg19) VCF-style: chr17-8076766-G-C.
Other names: c.*755C>G (NM_001351278.2, NM_001351279.2, NM_001351280.2 and 2 more transcripts).
Identifiers: ClinVar variation 929264 (VCV000929264.20), dbSNP rs75008470, ClinGen allele CA8370552.

ClinVar aggregate classification (germline): Pathogenic/Likely pathogenic. Review status: criteria provided, multiple submitters, no conflicts (2 of 4 stars). 5 submissions from 5 submitters: Pathogenic (2); Likely pathogenic (2). 1 of the submissions does not count toward it. Last evaluated 2026-09-28.

Conditions:
TMEM107-related disorder. Also called: TMEM107-related condition.
SNORD118 & TMEM107-related disorders.
Leukoencephalopathy with calcifications and cysts. Also called: LABRUNE SYNDROME; Leukoencephalopathy, brain calcifications, and cysts. Identifiers: Orphanet 542310, MedGen C3281200, MONDO:0013803, OMIM 614561.

Allele frequency attached by ClinVar (database versions not stated): 1000 Genomes Project 0.00060; ESP Exome Variant Server 0.00087; TOPMed 0.00096.

Submissions (5):

GeneDx
Classification: Likely pathogenic. Last evaluated: 2026-09-28. Review status: criteria provided, single submitter. Criteria: GeneDx Variant Classification Process June 2021. Collection method: clinical testing. Allele origin: germline.
Comment: Observed in the homozygous state, or along with a second SNORD118 variant, in multiple unrelated patients with clinical features of SNORD118-related cerebral microangiopathy in the published literature and referred for genetic testing at GeneDx (PMID: 32361877, 27571260, 32359472); Changes a conserved or moderately conserved Watson-Crick match, which is predicted to affect secondary structure/function; Located in a non-coding RNA; This variant is associated with the following publications: (PMID: 34426522, 32361877, 27571260, 33029936, 32359472, 39108718)

PreventionGenetics, part of Exact Sciences
Classification: Likely pathogenic for TMEM107-related condition. Last evaluated: 2025-12-04. Review status: criteria provided, single submitter. Criteria: ACMG Guidelines, 2015. Collection method: clinical testing. Allele origin: germline.
Comment: The TMEM107 c.*755C>G variant is located in the 3' untranslated region. This variant occurs in the SNORD118 gene, which encodes a non-protein-coding RNA molecule. It has been reported in the homozygous state or compound heterozygous state in many individuals with leukoencephalopathy with calcifications and cysts, with ages at presentation ranging from 3 weeks to 67 years (Jenkinson et al. 2016. PubMed ID: 27571260; Cullinane et al. 2020. PubMed ID: 32361877; Crow et al. 2020. PubMed ID: 33029936). This variant is reported in 0.017% of alleles in individuals of Latino descent in gnomAD. Taken together, this variant is interpreted as likely pathogenic for SNORD118 -related disorders. Of note, this variant is also located within the 3'UTR of the TMEM107 gene and for TMEM107 -related disorders, this variant is interpreted as variant of uncertain significance.

CeGaT Center for Human Genetics Tuebingen
Classification: Pathogenic. Last evaluated: 2024-12-01. Review status: criteria provided, single submitter. Criteria: CeGaT Center For Human Genetics Tuebingen Variant Classification Criteria Version 2. Collection method: clinical testing. Allele origin: germline. Affected: yes. Observed: 2 variant alleles.
Comment: SNORD118: PM3:Strong, PP1:Strong, PM2, PS3:Supporting

Blueprint Genetics
Classification: Pathogenic for SNORD118 & TMEM107-related disorders. Last evaluated: 2024-10-22. Review status: criteria provided, single submitter. Criteria: ACMG Guidelines, 2015. Collection method: clinical testing. Allele origin: germline. Affected: yes. Observed: 5 variant alleles.

Laboratory of Neurogenetics and Neuroinflammation, Institut Imagine
Classification: Pathogenic for Leukoencephalopathy, brain calcifications, and cysts. Last evaluated: 2020-04-06. Review status: no assertion criteria provided. Collection method: clinical testing. Allele origin: germline. Affected: yes. Observed: 16 variant alleles. Not counted in ClinVar's aggregate classification.